The following is an entry in ClinVar:

NM_001005242.3(PKP2):c.1482G>A (p.Trp494Ter)

Gene: PKP2 (plakophilin 2; minus strand). Cytogenetic location: 12p11.21.
Variant type: single nucleotide variant.
Coding change: c.1482G>A on transcript NM_001005242.3 (MANE Select); coding-DNA position 1482, G replaced by A.
Protein change: p.Trp494Ter; replaces tryptophan 494 with a stop codon.
Molecular consequence: nonsense.
Genome position (GRCh38, 1-based): chr12:32,841,102, C>T on the plus strand (G>A on the coding strand, the complement: PKP2 is on the minus strand). VCF-style: chr12-32841102-C-T. GRCh37 (hg19) VCF-style: chr12-32994036-C-T.
Other names: c.1614G>A, p.Trp538Ter (NM_004572.4); short protein forms W538*, W494*.
Identifiers: ClinVar variation 45036 (VCV000045036.10), dbSNP rs397517001, ClinGen allele CA011243.

ClinVar aggregate classification (germline): Pathogenic. Review status: criteria provided, multiple submitters, no conflicts (2 of 4 stars). 3 submissions from 3 submitters: Pathogenic (2). 1 of the submissions does not count toward it. Last evaluated 2024-03-16.

Conditions:
Arrhythmogenic right ventricular cardiomyopathy (ARVD). Also called: Arrhythmogenic right ventricular dysplasia; Arrhythmogenic cardiomyopathy; Arrhythmogenic Right Ventricular Cardiomyopathy (ARVC); Cardiomyopathy, ARVC. Identifiers: Orphanet 247, MedGen C0349788, MeSH D019571, MONDO:0016587. Disease mechanism: loss of function. Inheritance: Various modes of inheritance.
Arrhythmogenic right ventricular dysplasia 9 (ARVD9). Also called: ARRHYTHMOGENIC RIGHT VENTRICULAR DYSPLASIA, FAMILIAL, 9; Arrhythmogenic Right Ventricular Dysplasia/Cardiomyopathy 9. Identifiers: MedGen C1836906, MONDO:0012180, OMIM 609040.

Submissions (3):

Labcorp Genetics (formerly Invitae), Labcorp
Classification: Pathogenic for Arrhythmogenic right ventricular dysplasia 9. Last evaluated: 2024-03-16. Review status: criteria provided, single submitter. Criteria: Invitae Variant Classification Sherloc (09022015). Collection method: clinical testing. Allele origin: germline.
Comment: This sequence change creates a premature translational stop signal (p.Trp538*) in the PKP2 gene. It is expected to result in an absent or disrupted protein product. Loss-of-function variants in PKP2 are known to be pathogenic (PMID: 15489853, 17041889, 23911551). This variant is not present in population databases (gnomAD no frequency). This premature translational stop signal has been observed in individual(s) with arrhythmogenic right ventricular cardiomyopathy (PMID: 16549640, 19863551, 20031617, 20152563, 26743238). ClinVar contains an entry for this variant (Variation ID: 45036). For these reasons, this variant has been classified as Pathogenic.

Institute of Human Genetics Munich, TUM University Hospital
Classification: Pathogenic for Arrhythmogenic right ventricular dysplasia 9. Last evaluated: 2023-02-01. Review status: criteria provided, single submitter. Criteria: Classification criteria August 2017. Collection method: clinical testing. Allele origin: germline. Inheritance: Autosomal dominant inheritance. Affected: yes. Observed: 1 variant allele.

Laboratory for Molecular Medicine, Mass General Brigham Personalized Medicine
Classification: Likely pathogenic for Arrhythmogenic right ventricular cardiomyopathy. Last evaluated: 2008-09-05. Review status: no assertion criteria provided. Collection method: clinical testing. Allele origin: germline. Observed: 2 variant alleles. Not counted in ClinVar's aggregate classification.

Literature cited by the submitters: PubMed 15489853 (cited by Labcorp Genetics (formerly Invitae), Labcorp); PubMed 17041889 (cited by Labcorp Genetics (formerly Invitae), Labcorp); PubMed 23911551 (cited by Labcorp Genetics (formerly Invitae), Labcorp); PubMed 16549640 (cited by Labcorp Genetics (formerly Invitae), Labcorp and Laboratory for Molecular Medicine, Mass General Brigham Personalized Medicine); PubMed 19863551 (cited by Labcorp Genetics (formerly Invitae), Labcorp); PubMed 20031617 (cited by Labcorp Genetics (formerly Invitae), Labcorp); PubMed 20152563 (cited by Labcorp Genetics (formerly Invitae), Labcorp); PubMed 26743238 (cited by Labcorp Genetics (formerly Invitae), Labcorp).